The following is an entry in ClinVar:

NM_001267550.2(TTN):c.48157_48158del (p.Ile16053fs)

Genes: TTN (titin; minus strand), TTN-AS1 (TTN antisense RNA 1; plus strand). Cytogenetic location: 2q31.2.
Variant type: Deletion.
Coding change: c.48157_48158del on transcript NM_001267550.2 (MANE Select); coding-DNA positions 48157 to 48158, 2 bases deleted (AT; older notation c.48157_48158delAT).
Protein change: p.Ile16053fs; shifts the reading frame from isoleucine 16053.
Molecular consequence: frameshift variant.
Genome position (GRCh38, 1-based): chr2:178,616,731-178,616,732, AT deleted on the plus strand (AT on the coding strand, the reverse complement: TTN is on the minus strand). VCF-style (leftmost placement, unchanged base first): chr2-178616730-AAT-A. GRCh37 (hg19) VCF-style: chr2-179481457-AAT-A.
Other names: c.43234_43235del, p.Ile14412fs (NM_001256850.1); c.20962_20963del, p.Ile6988fs (NM_003319.4); c.40453_40454del, p.Ile13485fs (NM_133378.4); c.21337_21338del, p.Ile7113fs (NM_133432.3); c.21538_21539del, p.Ile7180fs (NM_133437.4); short protein forms I16053fs, I7180fs, I13485fs, I14412fs, I7113fs, I6988fs.
Identifiers: ClinVar variation 1511359 (VCV001511359.6), dbSNP rs2154208239, ClinGen allele CA2573133795.

ClinVar aggregate classification (germline): Likely pathogenic (1 of 4 stars; one submission).

Conditions:
Dilated cardiomyopathy 1G (CMD1G). Identifiers: Orphanet 154, MedGen C1858763, MONDO:0011400, OMIM 604145.
Autosomal recessive limb-girdle muscular dystrophy type 2J (LGMDR10). Also called: Limb-girdle muscular dystrophy, type 2J; MUSCULAR DYSTROPHY, LIMB-GIRDLE, AUTOSOMAL RECESSIVE 10. Identifiers: Orphanet 140922, MedGen C1837342, MONDO:0012127, OMIM 608807.

Submission:

Labcorp Genetics (formerly Invitae), Labcorp
Classification: Likely pathogenic for Dilated cardiomyopathy 1G; Autosomal recessive limb-girdle muscular dystrophy type 2J. Last evaluated: 2021-11-11. Review status: criteria provided, single submitter. Criteria: Invitae Variant Classification Sherloc (09022015). Collection method: clinical testing. Allele origin: germline.
Comment: In summary, the currently available evidence indicates that the variant is pathogenic, but additional data are needed to prove that conclusively. Therefore, this variant has been classified as Likely Pathogenic. This variant is located in the A band of TTN (PMID: 25589632). Truncating variants in this region are significantly overrepresented in patients affected with dilated cardiomyopathy (PMID: 25589632). Truncating variants in this region have also been reported in individuals affected with autosomal recessive centronuclear myopathy (PMID: 23975875). This variant has not been reported in the literature in individuals affected with TTN-related conditions. This variant is not present in population databases (gnomAD no frequency). This sequence change creates a premature translational stop signal (p.Ile16053Cysfs*13) in the TTN gene. While this is not anticipated to result in nonsense mediated decay, it is expected to create a truncated TTN protein.

Literature cited by the submitters: PubMed 25589632; PubMed 23975875.